The following is an entry in ClinVar:

ClinVar aggregate classification (germline): Uncertain significance (1 of 4 stars; one submission).

Conditions:
Inborn genetic diseases. Identifiers: MedGen C0950123, MeSH D030342.

Submission:

Ambry Genetics
Classification: Uncertain significance for Inborn genetic diseases. Last evaluated: 2024-01-24. Review status: criteria provided, single submitter. Criteria: Ambry Variant Classification Scheme 2023. Collection method: clinical testing. Allele origin: germline.
Comment: The p.E2103K variant (also known as c.6307G>A), located in coding exon 37 of the ATR gene, results from a G to A substitution at nucleotide position 6307. The glutamic acid at codon 2103 is replaced by lysine, an amino acid with similar properties. This amino acid position is conserved. In addition, the in silico prediction for this alteration is inconclusive. Based on the available evidence, the clinical significance of this alteration remains unclear.

NM_001184.4(ATR):c.6307G>A (p.Glu2103Lys)

Gene: ATR (ATR checkpoint kinase; minus strand). Cytogenetic location: 3q23.
Variant type: single nucleotide variant.
Coding change: c.6307G>A on transcript NM_001184.4 (MANE Select); coding-DNA position 6307, G replaced by A.
Protein change: p.Glu2103Lys; replaces glutamic acid 2103 with lysine.
Molecular consequence: missense variant.
Genome position (GRCh38, 1-based): chr3:142,470,098, C>T on the plus strand (G>A on the coding strand, the complement: ATR is on the minus strand). VCF-style: chr3-142470098-C-T. GRCh37 (hg19) VCF-style: chr3-142188940-C-T.
Other names: c.6115G>A, p.Glu2039Lys (NM_001354579.2); short protein forms E2039K, E2103K.
Identifiers: ClinVar variation 3221248 (VCV003221248.1), dbSNP rs2473073828, ClinGen allele CA354805543.